The following is an entry in ClinVar:

ClinVar aggregate classification (germline): Uncertain significance (1 of 4 stars; one submission).

Conditions:
Fanconi anemia (FA). Also called: Fanconi's anemia. Identifiers: Orphanet 84, MedGen C0015625, MeSH D005199, MONDO:0019391.

Submission:

Labcorp Genetics (formerly Invitae), Labcorp
Classification: Uncertain significance for Fanconi anemia. Last evaluated: 2025-01-11. Review status: criteria provided, single submitter. Criteria: Invitae Variant Classification Sherloc (09022015). Collection method: clinical testing. Allele origin: germline.
Comment: This sequence change replaces leucine, which is neutral and non-polar, with isoleucine, which is neutral and non-polar, at codon 1294 of the FANCI protein (p.Leu1294Ile). This variant is not present in population databases (gnomAD no frequency). This variant has not been reported in the literature in individuals affected with FANCI-related conditions. Invitae Evidence Modeling of protein sequence and biophysical properties (such as structural, functional, and spatial information, amino acid conservation, physicochemical variation, residue mobility, and thermodynamic stability) indicates that this missense variant is not expected to disrupt FANCI protein function with a negative predictive value of 80%. In summary, the available evidence is currently insufficient to determine the role of this variant in disease. Therefore, it has been classified as a Variant of Uncertain Significance.

NM_001113378.2(FANCI):c.3880C>A (p.Leu1294Ile)

Gene: FANCI (FA complementation group I; plus strand). Cytogenetic location: 15q26.1.
Variant type: single nucleotide variant.
Coding change: c.3880C>A on transcript NM_001113378.2 (MANE Select); coding-DNA position 3880, C replaced by A.
Protein change: p.Leu1294Ile; replaces leucine 1294 with isoleucine.
Molecular consequence: missense variant.
Genome position (GRCh38, 1-based): chr15:89,315,345, C>A. VCF-style: chr15-89315345-C-A. GRCh37 (hg19) VCF-style: chr15-89858576-C-A.
Other names: c.3601C>A, p.Leu1201Ile (NM_001376910.1); c.3880C>A, p.Leu1294Ile (NM_001376911.1); c.3700C>A, p.Leu1234Ile (NM_018193.3); short protein forms L1201I, L1234I, L1294I.
Identifiers: ClinVar variation 3618391 (VCV003618391.2).